The following is an entry in ClinVar:

ClinVar aggregate classification (germline): Benign/Likely benign. Review status: criteria provided, multiple submitters, no conflicts (2 of 4 stars). 4 submissions from 4 submitters: Benign (2); Likely benign (1). 1 of the submissions does not count toward it. Last evaluated 2024-11-26.

Conditions:
STK36-related disorder. Also called: STK36-related condition.

Allele frequency attached by ClinVar (database versions not stated): ESP Exome Variant Server 0.00115; gnomAD exomes 0.00709 and 0.02164; gnomAD 0.00771 and 0.00925; TOPMed 0.01371; ExAC 0.01811; 1000 Genomes Project 30x 0.02577; 1000 Genomes Project 0.02716.

Submissions (4):

Blueprint Genetics
Classification: Likely benign. Last evaluated: 2024-11-26. Review status: criteria provided, single submitter. Criteria: ACMG Guidelines, 2015. Collection method: clinical testing. Allele origin: germline.

GeneDx
Classification: Benign. Last evaluated: 2021-05-05. Review status: criteria provided, single submitter. Criteria: GeneDx Variant Classification Process June 2021. Collection method: clinical testing. Allele origin: germline. Affected: yes.

Breakthrough Genomics
Classification: Benign. Review status: criteria provided, single submitter. Criteria: ACMG Guidelines, 2015. Collection method: not provided. Allele origin: germline. Inheritance: Autosomal recessive inheritance. Affected: yes.

PreventionGenetics, part of Exact Sciences
Classification: Benign for STK36-related condition. Last evaluated: 2019-03-29. Review status: no assertion criteria provided. Collection method: clinical testing. Allele origin: germline. Not counted in ClinVar's aggregate classification.
Comment: This variant is classified as benign based on ACMG/AMP sequence variant interpretation guidelines (Richards et al. 2015 PMID: 25741868, with internal and published modifications).

NM_015690.5(STK36):c.3237C>T (p.Ser1079=)

Gene: STK36 (serine/threonine kinase 36; plus strand). Cytogenetic location: 2q35.
Variant type: single nucleotide variant.
Coding change: c.3237C>T on transcript NM_015690.5 (MANE Select); coding-DNA position 3237, C replaced by T.
Protein change: p.Ser1079=; no amino-acid change (serine 1079 retained).
Molecular consequence: synonymous variant.
Genome position (GRCh38, 1-based): chr2:218,698,781, C>T. VCF-style: chr2-218698781-C-T. GRCh37 (hg19) VCF-style: chr2-219563504-C-T.
Other names: c.3174C>T, p.Ser1058= (NM_001243313.2); c.3237C>T, p.Ser1079= (NM_001369423.1).
Identifiers: ClinVar variation 1240633 (VCV001240633.6), dbSNP rs55654526, ClinGen allele CA2111363.
Genomic context (GRCh38, chr2:218,698,781, plus strand): 5'-TAGAACCATCGTCTCGTTTCTCTCAGTTGCCCTCCTGAGTGACCAGCCACTGTTGACCTC[C>T]GACCTTCTCTCTCTGCTGGCCCATACTGCCAGGGTCCTGTCTCCCAGCCACTTGTCCTTT-3'
Protein context (NP_056505.2, residues 1069-1089): ALLSDQPLLT[Ser1079=]DLLSLLAHTA